The following is an entry in ClinVar:

ClinVar aggregate classification (germline): Uncertain significance (1 of 4 stars; one submission).

Submission:

Labcorp Genetics (formerly Invitae), Labcorp
Classification: Uncertain significance. Last evaluated: 2025-05-04. Review status: criteria provided, single submitter. Criteria: Invitae Variant Classification Sherloc (09022015). Collection method: clinical testing. Allele origin: germline.
Comment: This sequence change replaces glutamine, which is neutral and polar, with lysine, which is basic and polar, at codon 525 of the STAT4 protein (p.Gln525Lys). This variant is not present in population databases (gnomAD no frequency). This variant has not been reported in the literature in individuals affected with STAT4-related conditions. An algorithm developed to predict the effect of missense changes on protein structure and function (PolyPhen-2) suggests that this variant is likely to be tolerated. In summary, the available evidence is currently insufficient to determine the role of this variant in disease. Therefore, it has been classified as a Variant of Uncertain Significance.

NM_003151.4(STAT4):c.1573C>A (p.Gln525Lys)

Gene: STAT4 (signal transducer and activator of transcription 4; minus strand). Cytogenetic location: 2q32.2.
Variant type: single nucleotide variant.
Coding change: c.1573C>A on transcript NM_003151.4 (MANE Select); coding-DNA position 1573, C replaced by A.
Protein change: p.Gln525Lys; replaces glutamine 525 with lysine.
Molecular consequence: missense variant.
Genome position (GRCh38, 1-based): chr2:191,034,595, G>T on the plus strand (C>A on the coding strand, the complement: STAT4 is on the minus strand). VCF-style: chr2-191034595-G-T. GRCh37 (hg19) VCF-style: chr2-191899321-G-T.
Other names: c.1573C>A, p.Gln525Lys (NM_001243835.2); short protein forms Q525K.
Identifiers: ClinVar variation 4808250 (VCV004808250.1).